The following is an entry in ClinVar:

NM_007294.4(BRCA1):c.5329A>T (p.Thr1777Ser)

Gene: BRCA1 (BRCA1 DNA repair associated; minus strand). Cytogenetic location: 17q21.31.
Variant type: single nucleotide variant.
Coding change: c.5329A>T on transcript NM_007294.4 (MANE Select); coding-DNA position 5329, A replaced by T.
Protein change: p.Thr1777Ser; replaces threonine 1777 with serine.
Molecular consequence: missense variant. On other transcripts: non-coding transcript variant (1).
Genome position (GRCh38, 1-based): chr17:43,051,066, T>A on the plus strand (A>T on the coding strand, the complement: BRCA1 is on the minus strand). VCF-style: chr17-43051066-T-A. GRCh37 (hg19) VCF-style: chr17-41203083-T-A.
Other names: c.5392A>T, p.Thr1798Ser (NM_001407587.1, NM_007300.4, NM_001407583.1 and 1 more transcripts); c.5389A>T, p.Thr1797Ser (NM_001407590.1, NM_001407591.1); c.5329A>T, p.Thr1777Ser (NM_001407593.1, NM_001407594.1, NM_001407596.1 and 6 more transcripts); c.5326A>T, p.Thr1776Ser (NM_001407620.1, NM_001407621.1, NM_001407622.1 and 17 more transcripts); c.5323A>T, p.Thr1775Ser (NM_001407627.1, NM_001407628.1, NM_001407639.1 and 14 more transcripts); c.5320A>T, p.Thr1774Ser (NM_001407644.1, NM_001407645.1); c.5317A>T, p.Thr1773Ser (NM_001407646.1); c.5314A>T, p.Thr1772Ser (NM_001407647.1); and 72 more; short protein forms T1777S, T673S, T1798S, T1730S, T1648S, T1649S, T1687S, T1708S.
Identifiers: ClinVar variation 252402 (VCV000252402.5), dbSNP rs879255296, ClinGen allele CA10585906.

ClinVar aggregate classification (germline): Uncertain significance (1 of 4 stars; one submission).

Conditions:
Breast-ovarian cancer, familial, susceptibility to, 1 (BROVCA1). Also called: BRCA1 Hereditary Breast and Ovarian Cancer; OVARIAN CANCER, SUSCEPTIBILITY TO. Identifiers: Orphanet 145, MedGen C2676676, MONDO:0011450, OMIM 604370. Disease mechanism: loss of function.

Submissions (2):

Quest Diagnostics Nichols Institute San Juan Capistrano
Classification: Uncertain significance for Breast-ovarian cancer, familial, susceptibility to, 1. Last evaluated: 2016-06-10. Review status: criteria provided, single submitter. Criteria: Quest Diagnostics criteria. Collection method: clinical testing. Allele origin: germline. Inheritance: Autosomal dominant inheritance.

Brotman Baty Institute, University of Washington
No classification provided (evidence only). Condition: Breast-ovarian cancer, familial 1. Review status: no classification provided. Collection method: in vitro. Allele origin: not applicable. Functional consequence: functionally_normal. Not counted in ClinVar's aggregate classification.
ClinVar note: "not provided" was previously submitted as the classification for the variant. However, the classification appeared to be based only on an observation of functional data so it was converted to no classification on 2025-07-30.

Literature cited by the submitters: PubMed 26295337 (cited by Quest Diagnostics Nichols Institute San Juan Capistrano).